The following is an entry in ClinVar:

ClinVar aggregate classification (germline): Benign (1 of 4 stars; one submission).

Allele frequency attached by ClinVar (database versions not stated): 1000 Genomes Project 0.00319; 1000 Genomes Project 30x 0.00375; ESP Exome Variant Server 0.00877; TOPMed 0.00884; gnomAD 0.00889.
gnomAD v4.1: 20,149 of 1,610,502 alleles (1.3%); highest among the groups gnomAD compares: Non-Finnish European, 1.5%; 171 homozygotes.

Submission:

CeGaT Center for Human Genetics Tuebingen
Classification: Benign. Last evaluated: 2025-07-01. Review status: criteria provided, single submitter. Criteria: CeGaT Center For Human Genetics Tuebingen Variant Classification Criteria Version 2. Collection method: clinical testing. Allele origin: germline. Affected: yes. Observed: 4 variant alleles.
Comment: CSMD1: BP4, BS1, BS2

NM_033225.6(CSMD1):c.735C>G (p.Thr245=)

Gene: CSMD1 (CUB and Sushi multiple domains 1; minus strand). Cytogenetic location: 8p23.2.
Variant type: single nucleotide variant.
Coding change: c.735C>G on transcript NM_033225.6 (MANE Select); coding-DNA position 735, C replaced by G.
Protein change: p.Thr245=; no amino-acid change (threonine 245 retained).
Molecular consequence: synonymous variant.
Genome position (GRCh38, 1-based): chr8:3,997,986, G>C on the plus strand (C>G on the coding strand, the complement: CSMD1 is on the minus strand). VCF-style: chr8-3997986-G-C. GRCh37 (hg19) VCF-style: chr8-3855508-G-C.
Identifiers: ClinVar variation 2658347 (VCV002658347.24), dbSNP rs71521901, ClinGen allele CA4609463.